The following is an entry in ClinVar:

NM_001382567.1(STIM1):c.860G>A (p.Arg287His)

Gene: STIM1 (stromal interaction molecule 1; plus strand). Cytogenetic location: 11p15.4.
Variant type: single nucleotide variant.
Coding change: c.860G>A on transcript NM_001382567.1 (MANE Select); coding-DNA position 860, G replaced by A.
Protein change: p.Arg287His; replaces arginine 287 with histidine.
Molecular consequence: missense variant.
Genome position (GRCh38, 1-based): chr11:4,074,570, G>A. VCF-style: chr11-4074570-G-A. GRCh37 (hg19) VCF-style: chr11-4095800-G-A.
Other names: c.860G>A, p.Arg287His (NM_001277961.3, NM_001277962.2, NM_001382568.1 and 2 more transcripts); c.638G>A, p.Arg213His (NM_001382566.1, NM_001382573.1, NM_001382574.1 and 5 more transcripts); c.725G>A, p.Arg242His (NM_001382569.1); c.632G>A, p.Arg211His (NM_001382570.1); c.380G>A, p.Arg127His (NM_001382571.1); c.371G>A, p.Arg124His (NM_001382580.1, NM_001382581.1); short protein forms R127H, R242H, R211H, R213H, R124H, R287H.
Identifiers: ClinVar variation 959501 (VCV000959501.9), dbSNP rs1565168009, ClinGen allele CA379190573.

ClinVar aggregate classification (germline): Uncertain significance (1 of 4 stars; one submission).

Conditions:
Combined immunodeficiency due to STIM1 deficiency. Also called: IMMUNODEFICIENCY 10; STIM1 DEFICIENCY. Identifiers: Orphanet 169090, Orphanet 317430, MedGen C2748557, MONDO:0013008, OMIM 612783.
Myopathy with tubular aggregates (TAM). Also called: Tubular Aggregate Myopathy. Identifiers: Orphanet 2593, MedGen C0410207, MONDO:0008051.
Stormorken syndrome (STRMK). Also called: THROMBOCYTOPATHY, ASPLENIA, AND MIOSIS. Identifiers: Orphanet 3204, MedGen C1861451, MONDO:0008497, OMIM 185070.

Allele frequency attached by ClinVar (database versions not stated): gnomAD exomes 0.00001.

Submission:

Labcorp Genetics (formerly Invitae), Labcorp
Classification: Uncertain significance for Myopathy with tubular aggregates; Combined immunodeficiency due to STIM1 deficiency; Stormorken syndrome. Last evaluated: 2025-07-15. Review status: criteria provided, single submitter. Criteria: Invitae Variant Classification Sherloc (09022015). Collection method: clinical testing. Allele origin: germline.
Comment: This sequence change replaces arginine, which is basic and polar, with histidine, which is basic and polar, at codon 287 of the STIM1 protein (p.Arg287His). This variant is not present in population databases (gnomAD no frequency). This variant has not been reported in the literature in individuals affected with STIM1-related conditions. ClinVar contains an entry for this variant (Variation ID: 959501). Invitae Evidence Modeling of protein sequence and biophysical properties (such as structural, functional, and spatial information, amino acid conservation, physicochemical variation, residue mobility, and thermodynamic stability) has been performed for this missense variant. However, the output from this modeling did not meet the statistical confidence thresholds required to predict the impact of this variant on STIM1 protein function. In summary, the available evidence is currently insufficient to determine the role of this variant in disease. Therefore, it has been classified as a Variant of Uncertain Significance.